The following is an entry in ClinVar:

ClinVar aggregate classification (germline): Likely benign. Review status: criteria provided, multiple submitters, no conflicts (2 of 4 stars). 3 submissions from 3 submitters: Likely benign (3). Last evaluated 2026-02-01.

Conditions:
RABL3-related disorder. Also called: RABL3-related condition.

gnomAD v4.1: 522 of 1,608,190 alleles (0.032%); highest among the groups gnomAD compares: South Asian, 0.16%; 2 homozygotes.

Submissions (3):

CeGaT Center for Human Genetics Tuebingen
Classification: Likely benign. Last evaluated: 2026-02-01. Review status: criteria provided, single submitter. Criteria: CeGaT Center For Human Genetics Tuebingen Variant Classification Criteria Version 2. Collection method: clinical testing. Allele origin: germline. Affected: yes. Observed: 1 variant allele.
Comment: RABL3: BP4, BP7

Blueprint Genetics
Classification: Likely benign. Last evaluated: 2024-11-13. Review status: criteria provided, single submitter. Criteria: ACMG Guidelines, 2015. Collection method: clinical testing. Allele origin: germline.

PreventionGenetics, part of Exact Sciences
Classification: Likely benign for RABL3-related condition. Last evaluated: 2024-10-21. Review status: criteria provided, single submitter. Criteria: ACMG Guidelines, 2015. Collection method: clinical testing. Allele origin: germline.
Comment: This variant is classified as likely benign based on ACMG/AMP sequence variant interpretation guidelines (Richards et al. 2015 PMID: 25741868, with internal and published modifications).

NM_173825.5(RABL3):c.285C>T (p.His95=)

Gene: RABL3 (RAB, member of RAS oncogene family like 3; minus strand). Cytogenetic location: 3q13.33.
Variant type: single nucleotide variant.
Coding change: c.285C>T on transcript NM_173825.5 (MANE Select); coding-DNA position 285, C replaced by T.
Protein change: p.His95=; no amino-acid change (histidine 95 retained).
Molecular consequence: synonymous variant. On other transcripts: non-coding transcript variant (1).
Genome position (GRCh38, 1-based): chr3:120,706,098, G>A on the plus strand (C>T on the coding strand, the complement: RABL3 is on the minus strand). VCF-style: chr3-120706098-G-A. GRCh37 (hg19) VCF-style: chr3-120424945-G-A.
Other names: c.285C>T, p.His95= (NM_001363964.1, NM_001363965.1).
Identifiers: ClinVar variation 4820685 (VCV004820685.6).